The following is an entry in ClinVar:

NM_001374736.1(DST):c.2679T>G (p.Ser893Arg)

Gene: DST (dystonin; minus strand). Cytogenetic location: 6p12.1.
Variant type: single nucleotide variant.
Coding change: c.2679T>G on transcript NM_001374736.1 (MANE Select); coding-DNA position 2679, T replaced by G.
Protein change: p.Ser893Arg; replaces serine 893 with arginine.
Molecular consequence: missense variant.
Genome position (GRCh38, 1-based): chr6:56,639,714, A>C on the plus strand (T>G on the coding strand, the complement: DST is on the minus strand). VCF-style: chr6-56639714-A-C. GRCh37 (hg19) VCF-style: chr6-56504512-A-C.
Other names: c.2580T>G, p.Ser860Arg (NM_001144769.5); c.2166T>G, p.Ser722Arg (NM_001144770.2); c.2679T>G, p.Ser893Arg (NM_001374722.1); c.2046T>G, p.Ser682Arg (NM_001374729.1, NM_001374730.1, NM_001386100.1 and 1 more transcripts); c.2706T>G, p.Ser902Arg (NM_001374734.1); c.1068T>G, p.Ser356Arg (NM_001723.7, NM_015548.5); short protein forms S902R, S682R, S722R, S893R, S356R, S860R.
Identifiers: ClinVar variation 1419610 (VCV001419610.6), dbSNP rs2152776541, ClinGen allele CA364577751.

ClinVar aggregate classification (germline): Uncertain significance (1 of 4 stars; one submission).

Conditions:
Epidermolysis bullosa simplex 3, localized or generalized intermediate, with BP230 deficiency (EBS3). Also called: Epidermolysis bullosa simplex due to BP230 deficiency; Epidermolysis bullosa simplex, autosomal recessive 2. Identifiers: Orphanet 412181, MedGen C3809470, MONDO:0014180, OMIM 615425.
Hereditary sensory and autonomic neuropathy type 6. Also called: Neuropathy, hereditary sensory and autonomic, type VI; HSAN VI. Identifiers: Orphanet 314381, MedGen C3539003, MONDO:0013839, OMIM 614653.

gnomAD v4.1: 4 of 1,613,536 alleles (0.00025%); highest among the groups gnomAD compares: Non-Finnish European, 0.00034%; no homozygotes.

Submission:

Labcorp Genetics (formerly Invitae), Labcorp
Classification: Uncertain significance for Epidermolysis bullosa simplex 3, localized or generalized intermediate, with BP230 deficiency; Hereditary sensory and autonomic neuropathy type 6. Last evaluated: 2022-10-13. Review status: criteria provided, single submitter. Criteria: Invitae Variant Classification Sherloc (09022015). Collection method: clinical testing. Allele origin: germline.
Comment: In summary, the available evidence is currently insufficient to determine the role of this variant in disease. Therefore, it has been classified as a Variant of Uncertain Significance. Algorithms developed to predict the effect of missense changes on protein structure and function are either unavailable or do not agree on the potential impact of this missense change (SIFT: "Deleterious"; PolyPhen-2: "Benign"; Align-GVGD: "Class C25"). ClinVar contains an entry for this variant (Variation ID: 1419610). This variant has not been reported in the literature in individuals affected with DST-related conditions. This variant is not present in population databases (gnomAD no frequency). This sequence change replaces serine, which is neutral and polar, with arginine, which is basic and polar, at codon 356 of the DST protein (p.Ser356Arg).